The following is an entry in ClinVar:

NM_001165963.4(SCN1A):c.4028del (p.Ala1343fs)

Genes: SCN1A (sodium voltage-gated channel alpha subunit 1; minus strand), LOC102724058 (uncharacterized LOC102724058; plus strand). Cytogenetic location: 2q24.3.
Variant type: Deletion.
Coding change: c.4028del on transcript NM_001165963.4 (MANE Select); coding-DNA position 4028, one base deleted (C; older notation c.4028delC).
Protein change: p.Ala1343fs; shifts the reading frame from alanine 1343.
Molecular consequence: frameshift variant. On other transcripts: non-coding transcript variant (1).
Genome position (GRCh38, 1-based): chr2:166,002,728, G deleted on the plus strand (C on the coding strand, the reverse complement: SCN1A is on the minus strand). VCF-style (leftmost placement, unchanged base first): chr2-166002727-TG-T. GRCh37 (hg19) VCF-style: chr2-166859237-TG-T.
Other names: c.3944del, p.Ala1315fs (NM_001165964.3, NM_001353957.2, NM_001353958.2); c.4028del, p.Ala1343fs (NM_001202435.3, NM_001353948.2); c.3995del, p.Ala1332fs (NM_001353949.2, NM_001353950.2, NM_001353951.2 and 2 more transcripts); c.3992del, p.Ala1331fs (NM_001353954.2, NM_001353955.2); c.3941del, p.Ala1314fs (NM_001353960.2); c.1586del, p.Ala529fs (NM_001353961.2); short protein forms A1332fs, A1315fs, A1314fs, A1343fs, A529fs, A1331fs.
Identifiers: ClinVar variation 936404 (VCV000936404.8), dbSNP rs1691088488, ClinGen allele CA1139655722.

ClinVar aggregate classification (germline): Pathogenic (1 of 4 stars; one submission).

Conditions:
Early-infantile DEE. Also called: Early infantile epileptic encephalopathy; Ohtahara syndrome; Early infantile epileptic encephalopathy with suppression bursts. Identifiers: Orphanet 1934, MedGen C0393706, MONDO:0800491.

Submission:

Labcorp Genetics (formerly Invitae), Labcorp
Classification: Pathogenic for Early-infantile DEE. Last evaluated: 2019-08-10. Review status: criteria provided, single submitter. Criteria: Invitae Variant Classification Sherloc (09022015). Collection method: clinical testing. Allele origin: germline.
Comment: This sequence change creates a premature translational stop signal (p.Ala1343Glufs*6) in the SCN1A gene. It is expected to result in an absent or disrupted protein product. This variant is not present in population databases (ExAC no frequency). This variant has not been reported in the literature in individuals with SCN1A-related conditions. Loss-of-function variants in SCN1A are known to be pathogenic (PMID: 17347258, 18930999). For these reasons, this variant has been classified as Pathogenic.

Literature cited by the submitters: PubMed 17347258; PubMed 18930999.